The following is an entry in ClinVar:

ClinVar aggregate classification (germline): Conflicting classifications of pathogenicity. Review status: criteria provided, conflicting classifications (1 of 4 stars). 6 submissions from 6 submitters: Pathogenic (1); Likely pathogenic (3); Uncertain significance (1). 1 of the submissions does not count toward it. Last evaluated 2025-09-24.

Conditions:
Distal spinal muscular atrophy. Also called: Distal hereditary motor neuronopathy; Distal hereditary motor neuropathy. Identifiers: Orphanet 53739, MedGen C0393541, MONDO:0018894.
IGHMBP2-related disorder. Also called: IGHMBP2-related disorders; IGHMBP2-related condition.
Charcot-Marie-Tooth disease axonal type 2S. Also called: CHARCOT-MARIE-TOOTH NEUROPATHY, TYPE 2S; CHARCOT-MARIE-TOOTH DISEASE, AXONAL, AUTOSOMAL RECESSIVE, TYPE 2S. Identifiers: Orphanet 443073, MedGen C4015349, MONDO:0014511, OMIM 616155.
Autosomal recessive distal spinal muscular atrophy 1. Also called: HMN VI; NEURONOPATHY, SEVERE INFANTILE AXONAL, WITH RESPIRATORY FAILURE; SEVERE INFANTILE AXONAL NEUROPATHY WITH RESPIRATORY FAILURE; SPINAL MUSCULAR ATROPHY, DIAPHRAGMATIC; Spinal muscular atrophy with respiratory distress 1; NEURONOPATHY, DISTAL HEREDITARY MOTOR, HARDING TYPE VI. Identifiers: Orphanet 98920, MedGen C1858517, MONDO:0011436, OMIM 604320.

Allele frequency attached by ClinVar (database versions not stated): ExAC 0.00001; gnomAD exomes 0.00001; gnomAD 0.00003 and 0.00004; TOPMed 0.00004; 1000 Genomes Project 30x 0.00016; 1000 Genomes Project 0.00020.
gnomAD v4.1: 46 of 1,614,148 alleles (0.0028%); highest among the groups gnomAD compares: African/African-American, 0.008%; no homozygotes.

Submissions (6):

Genesolutions, Medical Genetics Institutes, Ho Chi Minh City, Vietnam
Classification: Likely pathogenic for Charcot-Marie-Tooth disease axonal type 2S. Last evaluated: 2025-09-24. Review status: criteria provided, single submitter. Criteria: ACMG Guidelines, 2015. Collection method: clinical testing. Allele origin: germline. Affected: yes.

Labcorp Genetics (formerly Invitae), Labcorp
Classification: Pathogenic for Autosomal recessive distal spinal muscular atrophy 1; Charcot-Marie-Tooth disease axonal type 2S. Last evaluated: 2025-08-11. Review status: criteria provided, single submitter. Criteria: Invitae Variant Classification Sherloc (09022015). Collection method: clinical testing. Allele origin: germline.
Comment: This sequence change replaces arginine, which is basic and polar, with cysteine, which is neutral and slightly polar, at codon 637 of the IGHMBP2 protein (p.Arg637Cys). This variant is present in population databases (rs201563456, gnomAD 0.007%). This missense change has been observed in individual(s) with autosomal recessive spinal muscular atrophy with respiratory distress type 1 or Charcot-Marie-Tooth disease type 2 (PMID: 14681881, 15108294, 28065684; internal data). In at least one individual the data is consistent with being in trans (on the opposite chromosome) from a pathogenic variant. ClinVar contains an entry for this variant (Variation ID: 637910). Invitae Evidence Modeling of protein sequence and biophysical properties (such as structural, functional, and spatial information, amino acid conservation, physicochemical variation, residue mobility, and thermodynamic stability) has been performed for this missense variant. However, the output from this modeling did not meet the statistical confidence thresholds required to predict the impact of this variant on IGHMBP2 protein function. For these reasons, this variant has been classified as Pathogenic.

Fulgent Genetics
Classification: Likely pathogenic for Autosomal recessive distal spinal muscular atrophy 1; Charcot-Marie-Tooth disease axonal type 2S. Last evaluated: 2024-02-22. Review status: criteria provided, single submitter. Criteria: ACMG Guidelines, 2015. Collection method: clinical testing. Allele origin: germline.

Blueprint Genetics
Classification: Likely pathogenic for IGHMBP2-related disorders. Last evaluated: 2021-05-14. Review status: criteria provided, single submitter. Criteria: ACMG Guidelines, 2015. Collection method: clinical testing. Allele origin: germline. Affected: yes. Observed: 1 variant allele.

HudsonAlpha Institute for Biotechnology
Classification: Uncertain significance for Autosomal recessive distal spinal muscular atrophy 1. Last evaluated: 2020-07-31. Review status: criteria provided, single submitter. Criteria: ACMG Guidelines, 2015. Collection method: research. Allele origin: paternal. Observed: 1 variant allele. Study: CSER-SouthSeq.
Comment: ACMG codes:PM2, PP3

Inherited Neuropathy Consortium
Classification: Uncertain significance for Distal spinal muscular atrophy. Review status: no assertion criteria provided. Collection method: literature only. Allele origin: germline. Affected: yes. Not counted in ClinVar's aggregate classification.

Literature cited by the submitters: PubMed 14681881 (cited by Labcorp Genetics (formerly Invitae), Labcorp and Inherited Neuropathy Consortium); PubMed 15108294 (cited by Labcorp Genetics (formerly Invitae), Labcorp); PubMed 28065684 (cited by Labcorp Genetics (formerly Invitae), Labcorp).

NM_002180.3(IGHMBP2):c.1909C>T (p.Arg637Cys)

Gene: IGHMBP2 (immunoglobulin mu DNA binding protein 2; plus strand). Cytogenetic location: 11q13.3.
Variant type: single nucleotide variant.
Coding change: c.1909C>T on transcript NM_002180.3 (MANE Select); coding-DNA position 1909, C replaced by T.
Protein change: p.Arg637Cys; replaces arginine 637 with cysteine.
Molecular consequence: missense variant.
Genome position (GRCh38, 1-based): chr11:68,936,389, C>T. VCF-style: chr11-68936389-C-T. GRCh37 (hg19) VCF-style: chr11-68703857-C-T.
Other names: short protein forms R637C.
Identifiers: ClinVar variation 637910 (VCV000637910.12), dbSNP rs201563456, ClinGen allele CA6153801.